The following is an entry in ClinVar:

ClinVar aggregate classification (germline): Uncertain significance. Review status: criteria provided, multiple submitters, no conflicts (2 of 4 stars). 2 submissions from 2 submitters: Uncertain significance (2). Last evaluated 2025-02-21.

Conditions:
Hereditary cancer-predisposing syndrome. Also called: Hereditary neoplastic syndrome; Tumor predisposition; Neoplastic Syndromes, Hereditary; Hereditary Cancer Syndrome. Identifiers: Orphanet 140162, MedGen C0027672, MeSH D009386, MONDO:0015356.
DICER1-related tumor predisposition. Also called: DICER1-related pleuropulmonary blastoma cancer predisposition syndrome; DICER1 syndrome. Identifiers: Orphanet 284343, MedGen C3839822, MONDO:0100216.

Submissions (2):

Ambry Genetics
Classification: Uncertain significance for Hereditary cancer-predisposing syndrome. Last evaluated: 2025-02-21. Review status: criteria provided, single submitter. Criteria: Ambry Variant Classification Scheme 2023. Collection method: clinical testing. Allele origin: germline.
Comment: The p.D417A variant (also known as c.1250A>C), located in coding exon 7 of the DICER1 gene, results from an A to C substitution at nucleotide position 1250. The aspartic acid at codon 417 is replaced by alanine, an amino acid with dissimilar properties. This amino acid position is well conserved in available vertebrate species. In addition, this alteration is predicted to be tolerated by in silico analysis. Based on the available evidence, the clinical significance of this variant remains unclear.

Labcorp Genetics (formerly Invitae), Labcorp
Classification: Uncertain significance for DICER1-related tumor predisposition. Last evaluated: 2021-11-23. Review status: criteria provided, single submitter. Criteria: Invitae Variant Classification Sherloc (09022015). Collection method: clinical testing. Allele origin: germline.
Comment: In summary, the available evidence is currently insufficient to determine the role of this variant in disease. Therefore, it has been classified as a Variant of Uncertain Significance. Algorithms developed to predict the effect of missense changes on protein structure and function are either unavailable or do not agree on the potential impact of this missense change (SIFT: "Deleterious"; PolyPhen-2: "Probably Damaging"; Align-GVGD: "Class C0"). This variant has not been reported in the literature in individuals affected with DICER1-related conditions. This variant is not present in population databases (gnomAD no frequency). This sequence change replaces aspartic acid, which is acidic and polar, with alanine, which is neutral and non-polar, at codon 417 of the DICER1 protein (p.Asp417Ala).

NM_177438.3(DICER1):c.1250A>C (p.Asp417Ala)

Gene: DICER1 (dicer 1, ribonuclease III; minus strand). Cytogenetic location: 14q32.13.
Variant type: single nucleotide variant.
Coding change: c.1250A>C on transcript NM_177438.3 (MANE Select); coding-DNA position 1250, A replaced by C.
Protein change: p.Asp417Ala; replaces aspartic acid 417 with alanine.
Molecular consequence: missense variant.
Genome position (GRCh38, 1-based): chr14:95,124,322, T>G on the plus strand (A>C on the coding strand, the complement: DICER1 is on the minus strand). VCF-style: chr14-95124322-T-G. GRCh37 (hg19) VCF-style: chr14-95590659-T-G.
Other names: c.1250A>C, p.Asp417Ala (NM_001195573.1, NM_001271282.3, NM_001291628.2 and 1 more transcripts); short protein forms D417A.
Identifiers: ClinVar variation 1472947 (VCV001472947.10), dbSNP rs1893199207, ClinGen allele CA390886505.